The following is an entry in ClinVar:

ClinVar aggregate classification (germline): Uncertain significance (1 of 4 stars; one submission).

Allele frequency attached by ClinVar (database versions not stated): gnomAD exomes below 0.00001; ExAC 0.00001; gnomAD 0.00001; TOPMed 0.00001; ESP Exome Variant Server 0.00008.
gnomAD v4.1: 2 of 1,613,594 alleles (0.00012%); highest among the groups gnomAD compares: African/African-American, 0.0027%; no homozygotes.

Submission:

Labcorp Genetics (formerly Invitae), Labcorp
Classification: Uncertain significance. Last evaluated: 2022-06-01. Review status: criteria provided, single submitter. Criteria: Invitae Variant Classification Sherloc (09022015). Collection method: clinical testing. Allele origin: germline.
Comment: Algorithms developed to predict the effect of missense changes on protein structure and function are either unavailable or do not agree on the potential impact of this missense change (SIFT: "Deleterious"; PolyPhen-2: "Not Available"; Align-GVGD: "Class C65"). In summary, the available evidence is currently insufficient to determine the role of this variant in disease. Therefore, it has been classified as a Variant of Uncertain Significance. This variant has not been reported in the literature in individuals affected with CDH23-related conditions. This variant is present in population databases (rs376092633, gnomAD 0.01%). This sequence change replaces serine, which is neutral and polar, with proline, which is neutral and non-polar, at codon 859 of the CDH23 protein (p.Ser859Pro).

NM_022124.6(CDH23):c.2575T>C (p.Ser859Pro)

Gene: CDH23 (cadherin related 23; plus strand). Cytogenetic location: 10q22.1.
Variant type: single nucleotide variant.
Coding change: c.2575T>C on transcript NM_022124.6 (MANE Select); coding-DNA position 2575, T replaced by C.
Protein change: p.Ser859Pro; replaces serine 859 with proline.
Molecular consequence: missense variant.
Genome position (GRCh38, 1-based): chr10:71,702,199, T>C. VCF-style: chr10-71702199-T-C. GRCh37 (hg19) VCF-style: chr10-73461956-T-C.
Other names: c.2575T>C, p.Ser859Pro (NM_001171930.2, NM_001171931.2); short protein forms S859P.
Identifiers: ClinVar variation 2001763 (VCV002001763.4), dbSNP rs376092633, ClinGen allele CA5544256.
Genomic context (GRCh38, chr10:71,702,199, plus strand): 5'-ATGCTGGACCGGGAGAACCCCGACCCCCATGAGGCCGAGCTGATGCGCAAAATCGTCGTC[T>C]CTGTTACTGACTGTATGGACCCCTCTCGCCCCTCACGGCCCCCACACCTTAGGCTGCGGG-3'
Protein context (NP_071407.4, residues 849-869): EAELMRKIVV[Ser859Pro]VTDCGRPPLK